The following is an entry in ClinVar:

ClinVar aggregate classification (germline): Likely benign. Review status: criteria provided, multiple submitters, no conflicts (2 of 4 stars). 2 submissions from 2 submitters: Likely benign (2). Last evaluated 2025-07-08.

Conditions:
Familial cancer of breast. Also called: BREAST CANCER, FAMILIAL; Hereditary breast cancer; hereditary breast carcinoma. Identifiers: Orphanet 227535, MedGen C0346153, MONDO:0016419, OMIM 114480. Disease mechanism: loss of function.
Fanconi anemia complementation group J. Also called: BRIP1-Related Fanconi Anemia. Identifiers: Orphanet 84, MedGen C1836860, MONDO:0012187, OMIM 609054.

Allele frequency attached by ClinVar (database versions not stated): gnomAD exomes below 0.00001.
gnomAD v4.1: 1 of 1,612,724 alleles (0.000062%); highest among the groups gnomAD compares: Non-Finnish European, 0.000085%; no homozygotes.

Submissions (2):

Labcorp Genetics (formerly Invitae), Labcorp
Classification: Likely benign for Familial cancer of breast; Fanconi anemia complementation group J. Last evaluated: 2025-07-08. Review status: criteria provided, single submitter. Criteria: Invitae Variant Classification Sherloc (09022015). Collection method: clinical testing. Allele origin: germline.

Myriad Genetics, Inc.
Classification: Likely benign for Familial cancer of breast. Last evaluated: 2024-08-30. Review status: criteria provided, single submitter. Criteria: Myriad Autosomal Dominant, Autosomal Recessive and X-Linked Classification Criteria (2023). Collection method: clinical testing. Allele origin: unknown.
Comment: This variant is considered likely benign. This variant is intronic and is not expected to impact mRNA splicing.

NM_032043.3(BRIP1):c.1936-19T>C

Gene: BRIP1 (BRCA1 interacting DNA helicase 1; minus strand). Cytogenetic location: 17q23.2.
Variant type: single nucleotide variant.
Coding change: c.1936-19T>C on transcript NM_032043.3 (MANE Select); 19 bases into the intron before coding-DNA position 1936, T replaced by C.
Molecular consequence: intron variant.
Genome position (GRCh38, 1-based): chr17:61,776,581, A>G on the plus strand (T>C on the coding strand, the complement: BRIP1 is on the minus strand). VCF-style: chr17-61776581-A-G. GRCh37 (hg19) VCF-style: chr17-59853942-A-G.
Identifiers: ClinVar variation 2945013 (VCV002945013.4), dbSNP rs2545000090, ClinGen allele CA2639155623.